The following is an entry in ClinVar:

NM_007294.4(BRCA1):c.5377A>C (p.Lys1793Gln)

Gene: BRCA1 (BRCA1 DNA repair associated; minus strand). Cytogenetic location: 17q21.31.
Variant type: single nucleotide variant.
Coding change: c.5377A>C on transcript NM_007294.4 (MANE Select); coding-DNA position 5377, A replaced by C.
Protein change: p.Lys1793Gln; replaces lysine 1793 with glutamine.
Molecular consequence: missense variant. On other transcripts: non-coding transcript variant (1), intron variant (1).
Genome position (GRCh38, 1-based): chr17:43,049,150, T>G on the plus strand (A>C on the coding strand, the complement: BRCA1 is on the minus strand). VCF-style: chr17-43049150-T-G. GRCh37 (hg19) VCF-style: chr17-41201167-T-G.
Other names: c.5164A>C, p.Lys1722Gln (NM_001407571.1, NM_001407894.1, NM_001407895.1 and 12 more transcripts); c.5443A>C, p.Lys1815Gln (NM_001407581.1, NM_001407582.1); c.5440A>C, p.Lys1814Gln (NM_001407583.1, NM_001407585.1, NM_001407587.1 and 1 more transcripts); c.5437A>C, p.Lys1813Gln (NM_001407590.1, NM_001407591.1); c.5377A>C, p.Lys1793Gln (NM_001407593.1, NM_001407594.1, NM_001407596.1 and 5 more transcripts); c.5374A>C, p.Lys1792Gln (NM_001407616.1, NM_001407617.1, NM_001407618.1 and 14 more transcripts); c.5371A>C, p.Lys1791Gln (NM_001407635.1, NM_001407636.1, NM_001407637.1 and 13 more transcripts); c.5368A>C, p.Lys1790Gln (NM_001407644.1, NM_001407645.1); and 73 more; short protein forms K1746Q, K1793Q, K1814Q, K689Q, K1681Q, K1705Q, K1751Q, K1774Q.
Identifiers: ClinVar variation 868394 (VCV000868394.3), dbSNP rs397509274, ClinGen allele CA10590719.

Conditions:
Breast-ovarian cancer, familial, susceptibility to, 1 (BROVCA1). Also called: BRCA1 Hereditary Breast and Ovarian Cancer; OVARIAN CANCER, SUSCEPTIBILITY TO. Identifiers: Orphanet 145, MedGen C2676676, MONDO:0011450, OMIM 604370. Disease mechanism: loss of function.

Submission:

Brotman Baty Institute, University of Washington
No classification provided (evidence only). Condition: Breast-ovarian cancer, familial 1. Review status: no classification provided. Collection method: in vitro. Allele origin: not applicable. Functional consequence: functionally_normal.
ClinVar note: "not provided" was previously submitted as the classification for the variant. However, the classification appeared to be based only on an observation of functional data so it was converted to no classification on 2025-07-30.